The following is an entry in ClinVar:

NM_001294.4(CLPTM1):c.657C>T (p.Asp219=)

Gene: CLPTM1 (CLPTM1 regulator of GABA type A receptor forward trafficking; plus strand). Cytogenetic location: 19q13.32.
Variant type: single nucleotide variant.
Coding change: c.657C>T on transcript NM_001294.4 (MANE Select); coding-DNA position 657, C replaced by T.
Protein change: p.Asp219=; no amino-acid change (aspartic acid 219 retained).
Molecular consequence: synonymous variant.
Genome position (GRCh38, 1-based): chr19:44,985,288, C>T. VCF-style: chr19-44985288-C-T. GRCh37 (hg19) VCF-style: chr19-45488546-C-T.
Other names: c.615C>T, p.Asp205= (NM_001282175.2); c.351C>T, p.Asp117= (NM_001282176.2).
Identifiers: ClinVar variation 3047689 (VCV003047689.2), dbSNP rs375955885, ClinGen allele CA9506903.

ClinVar aggregate classification (germline): Likely benign (0 of 4 stars; one submission).

Conditions:
CLPTM1-related disorder. Also called: CLPTM1-related condition.

Allele frequency attached by ClinVar (database versions not stated): ESP Exome Variant Server 0.00008; TOPMed 0.00015; gnomAD 0.00016.
gnomAD v4.1: 57 of 1,612,388 alleles (0.0035%); highest among the groups gnomAD compares: African/African-American, 0.059%; no homozygotes.

Submission:

PreventionGenetics, part of Exact Sciences
Classification: Likely benign for CLPTM1-related condition. Last evaluated: 2019-04-01. Review status: no assertion criteria provided. Collection method: clinical testing. Allele origin: germline.
Comment: This variant is classified as likely benign based on ACMG/AMP sequence variant interpretation guidelines (Richards et al. 2015 PMID: 25741868, with internal and published modifications).